The following is an entry in ClinVar:

NM_144670.6(A2ML1):c.4288C>T (p.Pro1430Ser)

Gene: A2ML1 (alpha-2-macroglobulin like 1; plus strand). Cytogenetic location: 12p13.31.
Variant type: single nucleotide variant.
Coding change: c.4288C>T on transcript NM_144670.6 (MANE Select); coding-DNA position 4288, C replaced by T.
Protein change: p.Pro1430Ser; replaces proline 1430 with serine.
Molecular consequence: missense variant.
Genome position (GRCh38, 1-based): chr12:8,874,491, C>T. VCF-style: chr12-8874491-C-T. GRCh37 (hg19) VCF-style: chr12-9027087-C-T.
Other names: c.2815C>T, p.Pro939Ser (NM_001282424.3); short protein forms P1430S, P939S.
Identifiers: ClinVar variation 2449332 (VCV002449332.2), dbSNP rs2472385698, ClinGen allele CA383814571.
Genomic context (GRCh38, chr12:8,874,491, plus strand): 5'-AAGAACACTCAGACTTACACCTTCACCATCAGCCAAAGTGTGCTGGTCACCAACTTGAAA[C>T]CAGCAACCATCAAGGTCTATGACTACTACCTACCAGGTGAGAGGGCTGAGCTGAAATGAG-3'
Protein context (NP_653271.3, residues 1420-1440): SQSVLVTNLK[Pro1430Ser]ATIKVYDYYL

ClinVar aggregate classification (germline): Uncertain significance (1 of 4 stars; one submission).

Submission:

Ambry Genetics
Classification: Uncertain significance. Last evaluated: 2022-12-04. Review status: criteria provided, single submitter. Criteria: Ambry Variant Classification Scheme 2023. Collection method: clinical testing. Allele origin: germline.
Comment: The p.P1430S variant (also known as c.4288C>T), located in coding exon 34 of the A2ML1 gene, results from a C to T substitution at nucleotide position 4288. The proline at codon 1430 is replaced by serine, an amino acid with similar properties. This amino acid position is conserved. In addition, the in silico prediction for this alteration is inconclusive. Since supporting evidence is limited at this time, the clinical significance of this alteration remains unclear.